The following is an entry in ClinVar:

NM_000089.4(COL1A2):c.795T>A (p.Gly265=)

Gene: COL1A2 (collagen type I alpha 2 chain; plus strand). Cytogenetic location: 7q21.3.
Variant type: single nucleotide variant.
Coding change: c.795T>A on transcript NM_000089.4 (MANE Select); coding-DNA position 795, T replaced by A.
Protein change: p.Gly265=; no amino-acid change (glycine 265 retained).
Molecular consequence: synonymous variant.
Genome position (GRCh38, 1-based): chr7:94,409,324, T>A. VCF-style: chr7-94409324-T-A. GRCh37 (hg19) VCF-style: chr7-94038636-T-A.
Identifiers: ClinVar variation 2123270 (VCV002123270.5), dbSNP rs944942328, ClinGen allele CA162919507.

ClinVar aggregate classification (germline): Likely benign. Review status: criteria provided, multiple submitters, no conflicts (2 of 4 stars). 2 submissions from 2 submitters: Likely benign (2). Last evaluated 2025-02-18.

Conditions:
Ehlers-Danlos syndrome, classic type, 1 (EDSCL1). Also called: EHLERS-DANLOS SYNDROME, GRAVIS TYPE; EHLERS-DANLOS SYNDROME, SEVERE CLASSIC TYPE; Ehlers-Danlos syndrome, type 1; EDS I; Ehlers-Danlos Syndrome, Classic Type, COL5A1-Related. Identifiers: MedGen C0268335, MONDO:0019567, OMIM 130000.
Osteogenesis imperfecta type I (OI1). Also called: OI, TYPE I; OSTEOGENESIS IMPERFECTA TARDA; OSTEOGENESIS IMPERFECTA WITH BLUE SCLERAE; Osteogenesis imperfecta type 1; Lobstein's Disease; Lobstein disease. Identifiers: Orphanet 216796, Orphanet 666, MedGen C0023931, MONDO:0008146, OMIM 166200. Disease mechanism: loss of function.

Allele frequency attached by ClinVar (database versions not stated): TOPMed below 0.00001; gnomAD exomes 0.00001.
gnomAD v4.1: 11 of 1,613,802 alleles (0.00068%); highest among the groups gnomAD compares: African/African-American, 0.0013%; no homozygotes.

Submissions (2):

Women's Health and Genetics/Laboratory Corporation of America, LabCorp
Classification: Likely benign. Last evaluated: 2025-02-18. Review status: criteria provided, single submitter. Criteria: LabCorp Variant Classification Summary - May 2015. Collection method: clinical testing. Allele origin: germline.
Comment: Variant summary: COL1A2 c.795T>A (p.Gly265Gly) alters a conserved nucleotide located close to a canonical splice site and therefore could affect mRNA splicing, leading to a significantly altered protein sequence. Consensus agreement among computation tools predict no significant impact on normal splicing. However, these predictions have yet to be confirmed by functional studies. The variant allele was found at a frequency of 6.8e-06 in 1606844 control chromosomes in the gnomAD database (v4.1 dataset). To our knowledge, no occurrence of c.795T>A in individuals affected with COL1A2-related phenotypes and no experimental evidence demonstrating its impact on protein function have been reported. ClinVar contains an entry for this variant (Variation ID: 2123270). Based on the evidence outlined above, the variant was classified as likely benign.

Labcorp Genetics (formerly Invitae), Labcorp
Classification: Likely benign for Osteogenesis imperfecta type I; Ehlers-Danlos syndrome, classic type, 1. Last evaluated: 2025-02-06. Review status: criteria provided, single submitter. Criteria: Invitae Variant Classification Sherloc (09022015). Collection method: clinical testing. Allele origin: germline.